The following is an entry in ClinVar:

NM_003482.4(KMT2D):c.6187A>G (p.Lys2063Glu)

Gene: KMT2D (lysine methyltransferase 2D; minus strand). Cytogenetic location: 12q13.12.
Variant type: single nucleotide variant.
Coding change: c.6187A>G on transcript NM_003482.4 (MANE Select); coding-DNA position 6187, A replaced by G.
Protein change: p.Lys2063Glu; replaces lysine 2063 with glutamic acid.
Molecular consequence: missense variant.
Genome position (GRCh38, 1-based): chr12:49,041,702, T>C on the plus strand (A>G on the coding strand, the complement: KMT2D is on the minus strand). VCF-style: chr12-49041702-T-C. GRCh37 (hg19) VCF-style: chr12-49435485-T-C.
Other names: short protein forms K2063E.
Identifiers: ClinVar variation 3236791 (VCV003236791.1), dbSNP rs2498405177.
Genomic context (GRCh38, chr12:49,041,702, plus strand): 5'-CAGCCCCACTCACCTTCTGCACCTTGTTGATGCGGTGAGCTGCCCGGTTATCTTTGGCCT[T>C]TTGCTGAGGGATATGGGACACAGCCTTAGGGCCTAGTGCTTGGTCTCATGCCCCGCCCCC-3'
Protein context (NP_003473.3, residues 2053-2073): PAADKAPYLQ[Lys2063Glu]AKDNRAAHRI

ClinVar aggregate classification (germline): Uncertain significance (1 of 4 stars; one submission).

Conditions:
Kabuki syndrome 1 (KABUK1). Also called: KMT2D-Related Kabuki Syndrome. Identifiers: Orphanet 2322, MedGen CN030661, MONDO:0007843, OMIM 147920.

Submission:

MVZ Medizinische Genetik Mainz
Classification: Uncertain significance for Kabuki syndrome 1. Last evaluated: 2023-08-22. Review status: criteria provided, single submitter. Criteria: UK Practice Guidelines For Variant Classification V4 01 2020. Collection method: clinical testing. Allele origin: germline. Inheritance: Autosomal dominant inheritance. Affected: yes. Observed: 1 variant allele.
Comment: ACMG Criteria: PP3_MOD,PM2_SUP